The following is an entry in ClinVar:

NM_004991.4(MECOM):c.3636A>C (p.Thr1212=)

Gene: MECOM (MDS1 and EVI1 complex locus; minus strand). Cytogenetic location: 3q26.2.
Variant type: single nucleotide variant.
Coding change: c.3636A>C on transcript NM_004991.4 (MANE Select); coding-DNA position 3636, A replaced by C.
Protein change: p.Thr1212=; no amino-acid change (threonine 1212 retained).
Molecular consequence: synonymous variant.
Genome position (GRCh38, 1-based): chr3:169,084,993, T>G on the plus strand (A>C on the coding strand, the complement: MECOM is on the minus strand). VCF-style: chr3-169084993-T-G. GRCh37 (hg19) VCF-style: chr3-168802781-T-G.
Other names: c.3267A>C, p.Thr1089= (NM_001105077.4); c.3072A>C, p.Thr1024= (NM_001105078.4, NM_001205194.2, NM_001366469.2 and 1 more transcripts); c.3048A>C, p.Thr1016= (NM_001163999.2, NM_001366470.2); c.3045A>C, p.Thr1015= (NM_001164000.2, NM_001366471.2, NM_001366472.2); c.3609A>C, p.Thr1203= (NM_001366466.2); c.3075A>C, p.Thr1025= (NM_001366467.2, NM_001366468.2); c.2637A>C, p.Thr879= (NM_001366473.2); c.2073A>C, p.Thr691= (NM_001366474.2).
Identifiers: ClinVar variation 786024 (VCV000786024.14), dbSNP rs148539966, ClinGen allele CA2695838.

ClinVar aggregate classification (germline): Conflicting classifications of pathogenicity. Review status: criteria provided, conflicting classifications (1 of 4 stars). 4 submissions from 4 submitters: Uncertain significance (1); Benign (2); Likely benign (1). Last evaluated 2026-01-26.

Allele frequency attached by ClinVar (database versions not stated): gnomAD exomes 0.00037 and 0.00013; TOPMed 0.00166; ESP Exome Variant Server 0.00185; ExAC 0.00047; 1000 Genomes Project 0.00060; 1000 Genomes Project 30x 0.00094.
gnomAD v4.1: 403 of 1,614,138 alleles (0.025%); highest among the groups gnomAD compares: African/African-American, 0.5%; 1 homozygote.

Submissions (4):

Labcorp Genetics (formerly Invitae), Labcorp
Classification: Benign. Last evaluated: 2026-01-26. Review status: criteria provided, single submitter. Criteria: Invitae Variant Classification Sherloc (09022015). Collection method: clinical testing. Allele origin: germline.

GeneDx
Classification: Uncertain significance. Last evaluated: 2025-03-19. Review status: criteria provided, single submitter. Criteria: GeneDx Variant Classification Process June 2021. Collection method: clinical testing. Allele origin: germline. Affected: yes.
Comment: Has not been previously published as pathogenic or benign to our knowledge; In silico analysis suggests this variant may impact gene splicing. In the absence of RNA/functional studies, the actual effect of this sequence change is unknown.

Blueprint Genetics
Classification: Likely benign. Last evaluated: 2024-04-11. Review status: criteria provided, single submitter. Criteria: ACMG Guidelines, 2015. Collection method: clinical testing. Allele origin: germline.

Genetic Services Laboratory, University of Chicago
Classification: Benign. Last evaluated: 2020-10-16. Review status: criteria provided, single submitter. Criteria: ACMG Guidelines, 2015. Collection method: clinical testing. Allele origin: germline. Affected: no.